The following is an entry in ClinVar:

ClinVar aggregate classification (germline): Uncertain significance (1 of 4 stars; one submission).

Conditions:
Muscular dystrophy-dystroglycanopathy (congenital with brain and eye anomalies), type A, 7. Also called: WALKER-WARBURG SYNDROME OR MUSCLE-EYE-BRAIN DISEASE, ISPD-RELATED; Congenital muscular dystrophy-dystroglycanopathy with brain and eye anomalies, type A7. Identifiers: Orphanet 899, MedGen C3553330, MONDO:0013835, OMIM 614643.
Autosomal recessive limb-girdle muscular dystrophy type 2U. Also called: MUSCULAR DYSTROPHY, LIMB-GIRDLE, TYPE 2U; Muscular dystrophy-dystroglycanopathy (limb-girdle), type c, 7. Identifiers: Orphanet 352479, MedGen C5190987, MONDO:0014474, OMIM 616052.

Allele frequency attached by ClinVar (database versions not stated): ExAC 0.00001; gnomAD exomes 0.00001; gnomAD 0.00002; TOPMed 0.00002.
gnomAD v4.1: 13 of 1,574,522 alleles (0.00083%); highest among the groups gnomAD compares: African/African-American, 0.0027%; no homozygotes.

Submission:

Labcorp Genetics (formerly Invitae), Labcorp
Classification: Uncertain significance for Muscular dystrophy-dystroglycanopathy (congenital with brain and eye anomalies), type A, 7; Autosomal recessive limb-girdle muscular dystrophy type 2U. Last evaluated: 2024-12-02. Review status: criteria provided, single submitter. Criteria: Invitae Variant Classification Sherloc (09022015). Collection method: clinical testing. Allele origin: germline.
Comment: This sequence change falls in intron 6 of the ISPD gene. It does not directly change the encoded amino acid sequence of the ISPD protein. This variant is present in population databases (rs773174159, gnomAD 0.007%). This variant has not been reported in the literature in individuals affected with ISPD-related conditions. ClinVar contains an entry for this variant (Variation ID: 2191641). Algorithms developed to predict the effect of sequence changes on RNA splicing suggest that this variant may disrupt the consensus splice site. In summary, the available evidence is currently insufficient to determine the role of this variant in disease. Therefore, it has been classified as a Variant of Uncertain Significance.

NM_001101426.4(CRPPA):c.934-14T>A

Genes: CRPPA (CDP-L-ribitol pyrophosphorylase A; minus strand), CRPPA-AS1 (CRPPA antisense RNA 1; plus strand). Cytogenetic location: 7p21.2.
Variant type: single nucleotide variant.
Coding change: c.934-14T>A on transcript NM_001101426.4 (MANE Select); 14 bases into the intron before coding-DNA position 934, T replaced by A.
Molecular consequence: intron variant.
Genome position (GRCh38, 1-based): chr7:16,259,026, A>T on the plus strand (T>A on the coding strand, the complement: CRPPA is on the minus strand). VCF-style: chr7-16259026-A-T. GRCh37 (hg19) VCF-style: chr7-16298651-A-T.
Other names: c.784-14T>A (NM_001101417.4); c.829-14T>A (NM_001368197.1).
Identifiers: ClinVar variation 2191641 (VCV002191641.2), dbSNP rs773174159, ClinGen allele CA4169440.